The following is an entry in ClinVar:

NM_001374828.1(ARID1B):c.325_327del (p.Lys109del)

Genes: ARID1B (AT-rich interaction domain 1B; plus strand), LOC115308161 (uncharacterized LOC115308161; minus strand), LOC129997523 (ATAC-STARR-seq lymphoblastoid silent region 17710; plus strand). Cytogenetic location: 6q25.3.
Variant type: Deletion.
Coding change: c.325_327del on transcript NM_001374828.1 (MANE Select); coding-DNA positions 325 to 327, 3 bases deleted (AAG; older notation c.325_327delAAG).
Protein change: p.Lys109del; deletes lysine 109.
Molecular consequence: inframe deletion. On other transcripts: inframe indel (2).
Genome position (GRCh38, 1-based): chr6:156,778,005-156,778,007, AAG deleted. VCF-style (leftmost placement, unchanged base first): chr6-156778004-CAAG-C. GRCh37 (hg19) VCF-style: chr6-157099138-CAAG-C.
Other names: c.76_78delAAG, p.Lys26del (NM_001346813.1, NM_020732.3); c.325_327del, p.Lys109del (NM_001371656.1, NM_001374820.1, NM_017519.3); c.-99_-97delAAG (NM_175863.2); short protein forms K109del, K26del.
Identifiers: ClinVar variation 2194470 (VCV002194470.4), dbSNP rs1240367607, ClinGen allele CA571907116.

ClinVar aggregate classification (germline): Uncertain significance (1 of 4 stars; one submission).

Allele frequency attached by ClinVar (database versions not stated): TOPMed 0.00003; gnomAD 0.00004; gnomAD exomes 0.00006.

Submission:

Labcorp Genetics (formerly Invitae), Labcorp
Classification: Uncertain significance. Last evaluated: 2024-04-10. Review status: criteria provided, single submitter. Criteria: Invitae Variant Classification Sherloc (09022015). Collection method: clinical testing. Allele origin: germline.
Comment: This variant, c.76_78del, results in the deletion of 1 amino acid(s) of the ARID1B protein (p.Lys26del), but otherwise preserves the integrity of the reading frame. This variant is present in population databases (no rsID available, gnomAD 0.007%). This variant has not been reported in the literature in individuals affected with ARID1B-related conditions. ClinVar contains an entry for this variant (Variation ID: 2194470). Experimental studies and prediction algorithms are not available or were not evaluated, and the functional significance of this variant is currently unknown. In summary, the available evidence is currently insufficient to determine the role of this variant in disease. Therefore, it has been classified as a Variant of Uncertain Significance.